The following is an entry in ClinVar:

ClinVar aggregate classification (germline): Likely benign (0 of 4 stars; one submission).

Conditions:
PLXNA1-related disorder. Also called: PLXNA1-related condition.

Allele frequency attached by ClinVar (database versions not stated): gnomAD 0.00003; ExAC 0.00004; gnomAD exomes 0.00004; TOPMed 0.00005; ESP Exome Variant Server 0.00008.
gnomAD v4.1: 66 of 1,613,600 alleles (0.0041%); highest among the groups gnomAD compares: Non-Finnish European, 0.0047%; no homozygotes.

Submission:

PreventionGenetics, part of Exact Sciences
Classification: Likely benign for PLXNA1-related condition. Last evaluated: 2022-08-04. Review status: no assertion criteria provided. Collection method: clinical testing. Allele origin: germline.
Comment: This variant is classified as likely benign based on ACMG/AMP sequence variant interpretation guidelines (Richards et al. 2015 PMID: 25741868, with internal and published modifications).

NM_032242.4(PLXNA1):c.5010C>T (p.Arg1670=)

Gene: PLXNA1 (plexin A1; plus strand). Cytogenetic location: 3q21.3.
Variant type: single nucleotide variant.
Coding change: c.5010C>T on transcript NM_032242.4 (MANE Select); coding-DNA position 5010, C replaced by T.
Protein change: p.Arg1670=; no amino-acid change (arginine 1670 retained).
Molecular consequence: synonymous variant.
Genome position (GRCh38, 1-based): chr3:127,030,013, C>T. VCF-style: chr3-127030013-C-T. GRCh37 (hg19) VCF-style: chr3-126748856-C-T.
Identifiers: ClinVar variation 3032578 (VCV003032578.2), dbSNP rs370783091, ClinGen allele CA2594585.